The following is an entry in ClinVar:

NM_001394062.1(MACF1):c.4520A>G (p.Asn1507Ser)

Gene: MACF1 (microtubule actin crosslinking factor 1; plus strand). Cytogenetic location: 1p34.3.
Variant type: single nucleotide variant.
Coding change: c.4520A>G on transcript NM_001394062.1 (MANE Select); coding-DNA position 4520, A replaced by G.
Protein change: p.Asn1507Ser; replaces asparagine 1507 with serine.
Molecular consequence: missense variant.
Genome position (GRCh38, 1-based): chr1:39,327,259, A>G. VCF-style: chr1-39327259-A-G. GRCh37 (hg19) VCF-style: chr1-39792931-A-G.
Other names: c.4535A>G, p.Asn1512Ser (NM_012090.5); short protein forms N1512S, N1507S.
Identifiers: ClinVar variation 2726602 (VCV002726602.6), dbSNP rs144722126, ClinGen allele CA780308.

ClinVar aggregate classification (germline): Benign/Likely benign. Review status: criteria provided, multiple submitters, no conflicts (2 of 4 stars). 3 submissions from 3 submitters: Benign (1); Likely benign (1). 1 of the submissions does not count toward it. Last evaluated 2024-01-12.

Conditions:
MACF1-related disorder. Also called: MACF1-related condition.

Allele frequency attached by ClinVar (database versions not stated): gnomAD 0.00016; gnomAD exomes 0.00016; TOPMed 0.00028; ExAC 0.00038; 1000 Genomes Project 30x 0.00078; 1000 Genomes Project 0.00100.
gnomAD v4.1: 252 of 1,598,392 alleles (0.016%); highest among the groups gnomAD compares: East Asian, 0.54%; no homozygotes.

Submissions (3):

Blueprint Genetics
Classification: Likely benign. Last evaluated: 2024-01-12. Review status: criteria provided, single submitter. Criteria: ACMG Guidelines, 2015. Collection method: clinical testing. Allele origin: germline.

Labcorp Genetics (formerly Invitae), Labcorp
Classification: Benign. Last evaluated: 2023-01-07. Review status: criteria provided, single submitter. Criteria: Invitae Variant Classification Sherloc (09022015). Collection method: clinical testing. Allele origin: germline.

PreventionGenetics, part of Exact Sciences
Classification: Likely benign for MACF1-related condition. Last evaluated: 2019-03-26. Review status: no assertion criteria provided. Collection method: clinical testing. Allele origin: germline. Not counted in ClinVar's aggregate classification.
Comment: This variant is classified as likely benign based on ACMG/AMP sequence variant interpretation guidelines (Richards et al. 2015 PMID: 25741868, with internal and published modifications).